The following is an entry in ClinVar:

NM_000426.4(LAMA2):c.9168_9169dup (p.Ser3057fs)

Gene: LAMA2 (laminin subunit alpha 2; plus strand). Cytogenetic location: 6q22.33.
Variant type: Duplication.
Coding change: c.9168_9169dup on transcript NM_000426.4 (MANE Select); coding-DNA positions 9168 to 9169, 2 bases duplicated (AT; older notation c.9168_9169dupAT).
Protein change: p.Ser3057fs; shifts the reading frame from serine 3057.
Molecular consequence: frameshift variant.
Genome position (GRCh38, 1-based): chr6:129,514,552-129,514,553, AT duplicated. VCF-style (leftmost placement, unchanged base first): chr6-129514551-C-CAT. GRCh37 (hg19) VCF-style: chr6-129835696-C-CAT.
Other names: c.9156_9157dup, p.Ser3053fs (NM_001079823.2); short protein forms S3057fs, S3053fs.
Identifiers: ClinVar variation 1458506 (VCV001458506.6), dbSNP rs2114939796, ClinGen allele CA2573140503.

ClinVar aggregate classification (germline): Pathogenic (1 of 4 stars; one submission).

Conditions:
LAMA2-related muscular dystrophy (LAMA2-RD). Also called: Laminin alpha 2-related dystrophy. Identifiers: MedGen C5679788, MONDO:0100228.

Submission:

Labcorp Genetics (formerly Invitae), Labcorp
Classification: Pathogenic for LAMA2-related muscular dystrophy. Last evaluated: 2022-06-27. Review status: criteria provided, single submitter. Criteria: Invitae Variant Classification Sherloc (09022015). Collection method: clinical testing. Allele origin: germline.
Comment: For these reasons, this variant has been classified as Pathogenic. This variant disrupts a region of the LAMA2 protein in which other variant(s) (p.Lys3074Asnfs*5) have been determined to be pathogenic (Invitae). This suggests that this is a clinically significant region of the protein, and that variants that disrupt it are likely to be disease-causing. This variant has not been reported in the literature in individuals affected with LAMA2-related conditions. This variant is not present in population databases (gnomAD no frequency). This sequence change creates a premature translational stop signal (p.Ser3057Tyrfs*23) in the LAMA2 gene. While this is not anticipated to result in nonsense mediated decay, it is expected to disrupt the last 66 amino acid(s) of the LAMA2 protein.